The following is an entry in ClinVar:

ClinVar aggregate classification (germline): Uncertain significance (1 of 4 stars; one submission).

Submission:

Mayo Clinic Laboratories, Mayo Clinic
Classification: Uncertain significance. Last evaluated: 2022-09-13. Review status: criteria provided, single submitter. Criteria: ACMG Guidelines, 2015. Collection method: clinical testing. Allele origin: germline. Observed: 1 variant allele.
Comment: PM2

NM_001844.5(COL2A1):c.1919C>A (p.Ala640Asp)

Gene: COL2A1 (collagen type II alpha 1 chain; minus strand). Cytogenetic location: 12q13.11.
Variant type: single nucleotide variant.
Coding change: c.1919C>A on transcript NM_001844.5 (MANE Select); coding-DNA position 1919, C replaced by A.
Protein change: p.Ala640Asp; replaces alanine 640 with aspartic acid.
Molecular consequence: missense variant.
Genome position (GRCh38, 1-based): chr12:47,984,109, G>T on the plus strand (C>A on the coding strand, the complement: COL2A1 is on the minus strand). VCF-style: chr12-47984109-G-T. GRCh37 (hg19) VCF-style: chr12-48377892-G-T.
Other names: p.Ala640Asp; c.1712C>A, p.Ala571Asp (NM_033150.3); short protein forms A571D, A640D.
Identifiers: ClinVar variation 2683192 (VCV002683192.1), dbSNP rs1231556901, ClinGen allele CA384548902.